The following is an entry in ClinVar:

ClinVar aggregate classification (germline): Uncertain significance. Review status: criteria provided, multiple submitters, no conflicts (2 of 4 stars). 3 submissions from 3 submitters: Uncertain significance (3). Last evaluated 2025-11-07.

Conditions:
Hereditary cancer-predisposing syndrome. Also called: Neoplastic Syndromes, Hereditary; Tumor predisposition; Hereditary neoplastic syndrome; Hereditary Cancer Syndrome. Identifiers: Orphanet 140162, MedGen C0027672, MeSH D009386, MONDO:0015356.
Cardiovascular phenotype. Identifiers: MedGen CN230736.

Submissions (3):

Ambry Genetics
Classification: Uncertain significance for Cardiovascular phenotype; Hereditary cancer-predisposing syndrome. Last evaluated: 2025-11-07. Review status: criteria provided, single submitter. Criteria: Ambry Variant Classification Scheme 2023. Collection method: clinical testing. Allele origin: germline.
Comment: The p.A461T variant (also known as c.1381G>A), located in coding exon 13 of the LZTR1 gene, results from a G to A substitution at nucleotide position 1381. The alanine at codon 461 is replaced by threonine, an amino acid with similar properties. This amino acid position is conserved. In addition, the in silico prediction for this alteration is inconclusive. Based on the available evidence, the clinical significance of this variant remains unclear.

Labcorp Genetics (formerly Invitae), Labcorp
Classification: Uncertain significance. Last evaluated: 2025-06-14. Review status: criteria provided, single submitter. Criteria: Invitae Variant Classification Sherloc (09022015). Collection method: clinical testing. Allele origin: germline.
Comment: This sequence change replaces alanine, which is neutral and non-polar, with threonine, which is neutral and polar, at codon 461 of the LZTR1 protein (p.Ala461Thr). This variant is present in population databases (no rsID available, gnomAD 0.0009%). This variant has not been reported in the literature in individuals affected with LZTR1-related conditions. ClinVar contains an entry for this variant (Variation ID: 3238070). Invitae Evidence Modeling of protein sequence and biophysical properties (such as structural, functional, and spatial information, amino acid conservation, physicochemical variation, residue mobility, and thermodynamic stability) indicates that this missense variant is not expected to disrupt LZTR1 protein function with a negative predictive value of 80%. In summary, the available evidence is currently insufficient to determine the role of this variant in disease. Therefore, it has been classified as a Variant of Uncertain Significance.

Women's Health and Genetics/Laboratory Corporation of America, LabCorp
Classification: Uncertain significance. Last evaluated: 2024-08-19. Review status: criteria provided, single submitter. Criteria: LabCorp Variant Classification Summary - May 2015. Collection method: clinical testing. Allele origin: germline.
Comment: Variant summary: LZTR1 c.1381G>A (p.Ala461Thr) results in a non-conservative amino acid change located in the BTB/POZ domain (IPR000210) of the encoded protein sequence. Five of five in-silico tools predict a damaging effect of the variant on protein function. The variant was absent in 247970 control chromosomes. The available data on variant occurrences in the general population are insufficient to allow any conclusion about variant significance. To our knowledge, no occurrence of c.1381G>A in individuals affected with Noonan Syndrome and no experimental evidence demonstrating its impact on protein function have been reported. ClinVar contains an entry for this variant (Variation ID: 3238070). Based on the evidence outlined above, the variant was classified as uncertain significance.

NM_006767.4(LZTR1):c.1381G>A (p.Ala461Thr)

Gene: LZTR1 (leucine zipper like post translational regulator 1; plus strand). Cytogenetic location: 22q11.21.
Variant type: single nucleotide variant.
Coding change: c.1381G>A on transcript NM_006767.4 (MANE Select); coding-DNA position 1381, G replaced by A.
Protein change: p.Ala461Thr; replaces alanine 461 with threonine.
Molecular consequence: missense variant.
Genome position (GRCh38, 1-based): chr22:20,993,951, G>A. VCF-style: chr22-20993951-G-A. GRCh37 (hg19) VCF-style: chr22-21348240-G-A.
Other names: short protein forms A461T.
Identifiers: ClinVar variation 3238070 (VCV003238070.5), dbSNP rs1434627307.
Genomic context (GRCh38, chr22:20,993,951, plus strand): 5'-GTGCCCTCTGCCAGTGCATCATTCTTTGTGCAGAAGGAGGAGTGCGTGCAGGGCCACGTA[G>A]CCATTGTCACAGCGCGGAGCCGCTGGCTTCGCAGGAAGATCACGCAGGCGCGGGAGAGGC-3'
Protein context (NP_006758.2, residues 451-471): EKEECVQGHV[Ala461Thr]IVTARSRWLR